The following is an entry in ClinVar:

NM_030665.4(RAI1):c.3584_3585del (p.Lys1195fs)

Gene: RAI1 (retinoic acid induced 1; plus strand). Cytogenetic location: 17p11.2.
Variant type: Deletion.
Coding change: c.3584_3585del on transcript NM_030665.4 (MANE Select); coding-DNA positions 3584 to 3585, 2 bases deleted (AG; older notation c.3584_3585delAG).
Protein change: p.Lys1195fs; shifts the reading frame from lysine 1195.
Molecular consequence: frameshift variant.
Genome position (GRCh38, 1-based): chr17:17,796,532-17,796,533, AG deleted. VCF-style (leftmost placement, unchanged base first): chr17-17796531-AAG-A. GRCh37 (hg19) VCF-style: chr17-17699845-AAG-A.
Other names: short protein forms K1195fs.
Identifiers: ClinVar variation 3346307 (VCV003346307.1).

ClinVar aggregate classification (germline): Likely pathogenic (0 of 4 stars; one submission).

Conditions:
RAI1-related disorder. Also called: RAI1-related condition.

Submission:

PreventionGenetics, part of Exact Sciences
Classification: Likely pathogenic for RAI1-related condition. Last evaluated: 2024-04-10. Review status: no assertion criteria provided. Collection method: clinical testing. Allele origin: germline.
Comment: The RAI1 c.3584_3585delAG variant is predicted to result in a frameshift and premature protein termination (p.Lys1195Argfs*21). To our knowledge, this variant has not been reported in the literature or in a large population database, indicating this variant is rare. Frameshift variants in RAI1 are expected to be pathogenic. This variant is interpreted as likely pathogenic.